The following is an entry in ClinVar:

NM_000207.3(INS):c.143T>G (p.Phe48Cys)

Genes: INS (insulin; minus strand), INS-IGF2 (INS-IGF2 readthrough; minus strand). Cytogenetic location: 11p15.5.
Variant type: single nucleotide variant.
Coding change: c.143T>G on transcript NM_000207.3 (MANE Select); coding-DNA position 143, T replaced by G.
Protein change: p.Phe48Cys; replaces phenylalanine 48 with cysteine.
Molecular consequence: missense variant. On other transcripts: non-coding transcript variant (1).
Genome position (GRCh38, 1-based): chr11:2,160,829, A>C on the plus strand (T>G on the coding strand, the complement: INS is on the minus strand). VCF-style: chr11-2160829-A-C. GRCh37 (hg19) VCF-style: chr11-2182059-A-C.
Other names: c.143T>G, p.Phe48Cys (NM_001185097.2, NM_001185098.2, NM_001291897.2 and 1 more transcripts); short protein forms F48C.
Identifiers: ClinVar variation 13389 (VCV000013389.7), dbSNP rs80356668, ClinGen allele CA341285.
Genomic context (GRCh38, chr11:2,160,829, plus strand): 5'-TGGGCAGTTGGCTCACCCTGCAGGTCCTCTGCCTCCCGGCGGGTCTTGGGTGTGTAGAAG[A>C]AGCCTCGTTCCCCGCACACTAGGTAGAGAGCTTCCACCAGGTGTGAGCCGCACAGGTGTT-3'
Protein context (NP_000198.1, residues 38-58): ALYLVCGERG[Phe48Cys]FYTPKTRREA

ClinVar aggregate classification (germline): Likely pathogenic/Likely risk allele. Review status: criteria provided, multiple submitters, no conflicts (2 of 4 stars). 5 submissions from 5 submitters: Likely pathogenic (1); Likely risk allele (1). 3 of the submissions do not count toward it.

Conditions:
Diabetes mellitus, permanent neonatal 4. Also called: INS-Related Permanent Neonatal Diabetes Mellitus. Identifiers: MedGen C5394307, MONDO:0030089, OMIM 618858.
Neonatal diabetes mellitus (NDM). Identifiers: Orphanet 224, MedGen C0158981, MONDO:0016391.
Permanent neonatal diabetes mellitus (PNDM). Identifiers: Orphanet 99885, MedGen C1833104, MONDO:0100164, MONDO:0011643. Disease mechanism: gain of function.

Submissions (5):

Clinical Genomics, Uppaluri K&H Personalized Medicine Clinic
Classification: Likely risk allele for Diabetes mellitus, permanent neonatal 4. Review status: criteria provided, single submitter. Criteria: K &amp; H Uppaluri Personalized Medicine Clinic Variant Classification &amp; Assertion Criteria_Updated V.1. Collection method: research. Allele origin: unknown. Inheritance: Autosomal dominant inheritance.
Comment: Potent mutations in the INS gene can cause early onset diabetes mellitus which is insulin dependent. May have poor response to sulfonylureas, mutations in this gene can cause beta cell destruction. Sufficient evidence is found to confer the association of this particular variant rs80356668 with permanent neonatal diabetes mellitus.

Molecular Genetics, Madras Diabetes Research Foundation
Classification: Likely pathogenic for Neonatal diabetes mellitus. Review status: criteria provided, single submitter. Criteria: ACMG Guidelines, 2015. Collection method: clinical testing. Allele origin: germline. Affected: yes.

OMIM
Classification: Pathogenic for DIABETES MELLITUS, PERMANENT NEONATAL, 4. Last evaluated: 2008-04-01. Review status: no assertion criteria provided. Collection method: literature only. Allele origin: germline. Not counted in ClinVar's aggregate classification.

GeneReviews
No classification provided. Condition: Permanent neonatal diabetes mellitus. Review status: no classification provided. Collection method: literature only. Allele origin: unknown. Not counted in ClinVar's aggregate classification.

UniProtKB/Swiss-Prot
No classification provided. Condition: Permanent neonatal diabetes mellitus. Review status: no classification provided. Collection method: not provided. Allele origin: not provided. Not counted in ClinVar's aggregate classification.

Literature cited by the submitters: PubMed 18162506 (cited by Clinical Genomics, Uppaluri K&H Personalized Medicine Clinic and OMIM); PubMed 17855560 (cited by Clinical Genomics, Uppaluri K&H Personalized Medicine Clinic and OMIM); PubMed 32433667 (cited by Clinical Genomics, Uppaluri K&H Personalized Medicine Clinic); PubMed 34593315 (cited by Molecular Genetics, Madras Diabetes Research Foundation); PubMed 17047922 (cited by GeneReviews); PubMed 18171712 (cited by GeneReviews); PubMed 20301620 (cited by GeneReviews); NCBI Bookshelf NBK1447 (cited by GeneReviews).